The following is an entry in ClinVar:

NM_182914.3(SYNE2):c.14662A>G (p.Ile4888Val)

Gene: SYNE2 (spectrin repeat containing nuclear envelope protein 2; plus strand). Cytogenetic location: 14q23.2.
Variant type: single nucleotide variant.
Coding change: c.14662A>G on transcript NM_182914.3 (MANE Select); coding-DNA position 14662, A replaced by G.
Protein change: p.Ile4888Val; replaces isoleucine 4888 with valine.
Molecular consequence: missense variant.
Genome position (GRCh38, 1-based): chr14:64,137,802, A>G. VCF-style: chr14-64137802-A-G. GRCh37 (hg19) VCF-style: chr14-64604520-A-G.
Other names: c.14662A>G, p.Ile4888Val (NM_015180.6); short protein forms I4888V.
Identifiers: ClinVar variation 1951382 (VCV001951382.5), dbSNP rs2549322320, ClinGen allele CA389936594.

ClinVar aggregate classification (germline): Uncertain significance (1 of 4 stars; one submission).

Conditions:
Emery-Dreifuss muscular dystrophy 5, autosomal dominant (EDMD5). Also called: EMERY-DREIFUSS MUSCULAR DYSTROPHY 5. Identifiers: Orphanet 261, MedGen C2751805, MONDO:0013072, OMIM 612999.

gnomAD v4.1: 1 of 1,614,214 alleles (0.000062%); highest among the groups gnomAD compares: Admixed American, 0.0017%; no homozygotes.

Submission:

Labcorp Genetics (formerly Invitae), Labcorp
Classification: Uncertain significance for Emery-Dreifuss muscular dystrophy 5, autosomal dominant. Last evaluated: 2022-09-27. Review status: criteria provided, single submitter. Criteria: Invitae Variant Classification Sherloc (09022015). Collection method: clinical testing. Allele origin: germline.
Comment: In summary, the available evidence is currently insufficient to determine the role of this variant in disease. Therefore, it has been classified as a Variant of Uncertain Significance. Algorithms developed to predict the effect of missense changes on protein structure and function output the following: SIFT: "Tolerated"; PolyPhen-2: "Benign"; Align-GVGD: "Class C0". The valine amino acid residue is found in multiple mammalian species, which suggests that this missense change does not adversely affect protein function. This variant has not been reported in the literature in individuals affected with SYNE2-related conditions. This variant is not present in population databases (gnomAD no frequency). This sequence change replaces isoleucine, which is neutral and non-polar, with valine, which is neutral and non-polar, at codon 4888 of the SYNE2 protein (p.Ile4888Val).